The following is an entry in ClinVar:

NM_001038603.3(MARVELD2):c.1578del (p.Glu527fs)

Gene: MARVELD2 (MARVEL domain containing 2; plus strand). Cytogenetic location: 5q13.2.
Variant type: Deletion.
Coding change: c.1578del on transcript NM_001038603.3 (MANE Select); coding-DNA position 1578, one base deleted (A; older notation c.1578delA).
Protein change: p.Glu527fs; shifts the reading frame from glutamic acid 527.
Molecular consequence: frameshift variant.
Genome position (GRCh38, 1-based): chr5:69,441,555, A deleted; the last of 8 consecutive A bases (chr5:69,441,548-69,441,555); deleting any one gives the same sequence. VCF-style (leftmost placement, unchanged base first): chr5-69441547-GA-G. GRCh37 (hg19) VCF-style: chr5-68737374-GA-G.
Other names: c.1542del, p.Glu515fs (NM_001244734.2); short protein forms E515fs, E527fs.
Identifiers: ClinVar variation 3601233 (VCV003601233.1).

ClinVar aggregate classification (germline): Likely pathogenic (1 of 4 stars; one submission).

Conditions:
Autosomal recessive nonsyndromic hearing loss 49. Also called: Deafness, neurosensory, autosomal recessive 49. Identifiers: Orphanet 90636, MedGen C1857811, MONDO:0012420, OMIM 610153.

Submission:

Institute of Rare Diseases, West China Hospital, Sichuan University
Classification: Likely pathogenic for Autosomal recessive nonsyndromic hearing loss 49. Last evaluated: 2025-01-09. Review status: criteria provided, single submitter. Criteria: ClinGen HL ACMG Specifications v1. Collection method: research. Allele origin: germline. Affected: yes.
Comment: PVS1;PM2_Supporting